The following is an entry in ClinVar:

ClinVar aggregate classification (germline): Uncertain significance. Review status: criteria provided, multiple submitters, no conflicts (2 of 4 stars). 6 submissions from 6 submitters: Uncertain significance (6). Last evaluated 2026-05-04.

Conditions:
Hereditary cancer-predisposing syndrome. Also called: Neoplastic Syndromes, Hereditary; Tumor predisposition; Hereditary neoplastic syndrome; Hereditary Cancer Syndrome. Identifiers: Orphanet 140162, MedGen C0027672, MeSH D009386, MONDO:0015356.
Familial adenomatous polyposis 4 (FAP4). Also called: MSH3-related attenuated familial adenomatous polyposis. Identifiers: Orphanet 480536, MedGen C4310719, MONDO:0044300, OMIM 617100.
MSH3-related disorder. Also called: MSH3-related condition.

Allele frequency attached by ClinVar (database versions not stated): gnomAD 0.00003; TOPMed 0.00006; gnomAD exomes 0.00008 and 0.00017; ExAC 0.00016.
gnomAD v4.1: 54 of 1,614,076 alleles (0.0033%); highest among the groups gnomAD compares: Admixed American, 0.09%; no homozygotes.

Submissions (6):

PreventionGenetics, part of Exact Sciences
Classification: Uncertain significance for MSH3-related condition. Last evaluated: 2026-05-04. Review status: criteria provided, single submitter. Criteria: ACMG Guidelines, 2015. Collection method: clinical testing. Allele origin: germline.
Comment: The MSH3 c.2774A>G variant is predicted to result in the amino acid substitution p.Glu925Gly. To our knowledge, this variant has not been reported in the literature. This variant is reported in 0.12% of alleles in individuals of Latino descent in gnomAD and is interpreted as uncertain in ClinVar (Variation ID: 643346). Although we suspect that this variant may be benign, at this time, the clinical significance of this variant is uncertain due to the absence of conclusive functional and genetic evidence.

St. Jude Molecular Pathology, St. Jude Children's Research Hospital
Classification: Uncertain significance for Familial adenomatous polyposis 4. Last evaluated: 2026-02-11. Review status: criteria provided, single submitter. Criteria: St. Jude Assertion Criteria 2020. Collection method: clinical testing. Allele origin: germline.
Comment: The MSH3 c.2774A>G p.(Glu925Gly) missense change has a maximum subpopulation frequency of 0.1% in gnomAD v2.1.1. The in silico tool REVEL is inconclusive about a pathogenic or benign effect of this variant on protein function, and to our knowledge functional studies have not been performed. To our knowledge, this variant has not been reported in individuals with MSH3-associated polyposis syndrome. In summary, the evidence currently available is insufficient to determine the clinical significance of this variant. It has therefore been classified as of uncertain significance.

Labcorp Genetics (formerly Invitae), Labcorp
Classification: Uncertain significance. Last evaluated: 2026-01-25. Review status: criteria provided, single submitter. Criteria: Invitae Variant Classification Sherloc (09022015). Collection method: clinical testing. Allele origin: germline.
Comment: This sequence change replaces glutamic acid, which is acidic and polar, with glycine, which is neutral and non-polar, at codon 925 of the MSH3 protein (p.Glu925Gly). This variant is present in population databases (rs764219762, gnomAD 0.1%). This variant has not been reported in the literature in individuals affected with MSH3-related conditions. ClinVar contains an entry for this variant (Variation ID: 643346). An algorithm developed to predict the effect of missense changes on protein structure and function (PolyPhen-2) suggests that this variant is likely to be disruptive. In summary, the available evidence is currently insufficient to determine the role of this variant in disease. Therefore, it has been classified as a Variant of Uncertain Significance.

Quest Diagnostics Nichols Institute San Juan Capistrano
Classification: Uncertain significance. Last evaluated: 2025-07-31. Review status: criteria provided, single submitter. Criteria: Quest Diagnostics criteria. Collection method: clinical testing. Allele origin: unknown.
Comment: The MSH3 c.2774A>G (p.Glu925Gly) variant has not been reported in individuals with MSH3-related conditions in the published literature. The frequency of this variant in the general population (Genome Aggregation Database) is higher than would generally be expected for pathogenic variants in this gene. Analysis of this variant using bioinformatics tools for the prediction of the effect of amino acid changes on protein structure and function yielded conflicting predictions that this variant is benign or damaging. Based on the available information, we are unable to determine the clinical significance of this variant.

Ambry Genetics
Classification: Uncertain significance for Hereditary cancer-predisposing syndrome. Last evaluated: 2025-02-28. Review status: criteria provided, single submitter. Criteria: Ambry Variant Classification Scheme 2023. Collection method: clinical testing. Allele origin: germline.
Comment: The p.E925G variant (also known as c.2774A>G), located in coding exon 20 of the MSH3 gene, results from an A to G substitution at nucleotide position 2774. The glutamic acid at codon 925 is replaced by glycine, an amino acid with similar properties. This amino acid position is not well conserved in available vertebrate species. In addition, the in silico prediction for this alteration is inconclusive. Based on the available evidence, the clinical significance of this variant remains unclear.

GeneDx
Classification: Uncertain significance. Last evaluated: 2025-02-20. Review status: criteria provided, single submitter. Criteria: GeneDx Variant Classification Process June 2021. Collection method: clinical testing. Allele origin: germline.
Comment: In silico analysis supports that this missense variant has a deleterious effect on protein structure/function; Has not been previously published as pathogenic or benign to our knowledge

NM_002439.5(MSH3):c.2774A>G (p.Glu925Gly)

Gene: MSH3 (mutS homolog 3; plus strand). Cytogenetic location: 5q14.1.
Variant type: single nucleotide variant.
Coding change: c.2774A>G on transcript NM_002439.5 (MANE Select); coding-DNA position 2774, A replaced by G.
Protein change: p.Glu925Gly; replaces glutamic acid 925 with glycine.
Molecular consequence: missense variant.
Genome position (GRCh38, 1-based): chr5:80,813,702, A>G. VCF-style: chr5-80813702-A-G. GRCh37 (hg19) VCF-style: chr5-80109521-A-G.
Other names: short protein forms E925G.
Identifiers: ClinVar variation 643346 (VCV000643346.21), dbSNP rs764219762, ClinGen allele CA3328352.